The following is an entry in ClinVar:

ClinVar aggregate classification (germline): Pathogenic (1 of 4 stars; one submission).

Conditions:
Developmental and epileptic encephalopathy, 54. Also called: HNRNPU-Related Neurodevelopmental Disorder; Epileptic encephalopathy, early infantile, 54. Identifiers: MedGen C4479319, MONDO:0033363, OMIM 617391.

Submission:

Labcorp Genetics (formerly Invitae), Labcorp
Classification: Pathogenic for Developmental and epileptic encephalopathy, 54. Last evaluated: 2022-06-23. Review status: criteria provided, single submitter. Criteria: Invitae Variant Classification Sherloc (09022015). Collection method: clinical testing. Allele origin: germline.
Comment: This variant is not present in population databases (gnomAD no frequency). This sequence change creates a premature translational stop signal (p.Ala113Argfs*79) in the HNRNPU gene. It is expected to result in an absent or disrupted protein product. Loss-of-function variants in HNRNPU are known to be pathogenic (PMID: 22678713, 28283832). This variant has not been reported in the literature in individuals affected with HNRNPU-related conditions. For these reasons, this variant has been classified as Pathogenic.

Literature cited by the submitters: PubMed 22678713; PubMed 28283832.

NM_031844.3(HNRNPU):c.336_351del (p.Ala113fs)

Gene: HNRNPU (heterogeneous nuclear ribonucleoprotein U; minus strand). Cytogenetic location: 1q44.
Variant type: Deletion.
Coding change: c.336_351del on transcript NM_031844.3 (MANE Select); coding-DNA positions 336 to 351, 16 bases deleted (CGCGGGGGCGGCCGAC).
Protein change: p.Ala113fs; shifts the reading frame from alanine 113.
Molecular consequence: frameshift variant.
Genome position (GRCh38, 1-based): chr1:244,863,957-244,863,972, GTCGGCCGCCCCCGCG deleted on the plus strand (CGCGGGGGCGGCCGAC on the coding strand, the reverse complement: HNRNPU is on the minus strand); deleting any 16 consecutive bases within chr1:244,863,957-244,863,973 gives the same sequence; the c. name uses the placement nearest the transcript's 3' end. VCF-style (leftmost placement, unchanged base first): chr1-244863956-AGTCGGCCGCCCCCGCG-A. GRCh37 (hg19) VCF-style: chr1-245027258-AGTCGGCCGCCCCCGCG-A.
Other names: c.336_351del, p.Ala113fs (NM_004501.3); short protein forms A113fs.
Identifiers: ClinVar variation 2009944 (VCV002009944.4), dbSNP rs2527895328, ClinGen allele CA2580063540.